The following is an entry in ClinVar:

ClinVar aggregate classification (germline): Likely benign. Review status: criteria provided, multiple submitters, no conflicts (2 of 4 stars). 3 submissions from 3 submitters: Likely benign (2). 1 of the submissions does not count toward it. Last evaluated 2019-12-31.

Conditions:
GRPR-related disorder. Also called: GRPR-related condition.

Allele frequency attached by ClinVar (database versions not stated): ExAC 0.00006; gnomAD exomes 0.00008 and 0.00014; TOPMed 0.00011; gnomAD 0.00012 and 0.00014.
gnomAD v4.1: 165 of 1,205,117 alleles (0.014%); highest among the groups gnomAD compares: Middle Eastern, 0.69%; 1 homozygote.

Submissions (3):

Labcorp Genetics (formerly Invitae), Labcorp
Classification: Likely benign. Last evaluated: 2019-12-31. Review status: criteria provided, single submitter. Criteria: Invitae Variant Classification Sherloc (09022015). Collection method: clinical testing. Allele origin: germline.

Breakthrough Genomics
Classification: Likely benign. Review status: criteria provided, single submitter. Criteria: ACMG Guidelines, 2015. Collection method: not provided. Allele origin: germline. Inheritance: Unknown mechanism. Affected: yes.

PreventionGenetics, part of Exact Sciences
Classification: Likely benign for GRPR-related condition. Last evaluated: 2019-02-27. Review status: no assertion criteria provided. Collection method: clinical testing. Allele origin: germline. Not counted in ClinVar's aggregate classification.
Comment: This variant is classified as likely benign based on ACMG/AMP sequence variant interpretation guidelines (Richards et al. 2015 PMID: 25741868, with internal and published modifications).

NM_005314.3(GRPR):c.1086G>A (p.Lys362=)

Gene: GRPR (gastrin releasing peptide receptor; plus strand). Cytogenetic location: Xp22.2.
Variant type: single nucleotide variant.
Coding change: c.1086G>A on transcript NM_005314.3 (MANE Select); coding-DNA position 1086, G replaced by A.
Protein change: p.Lys362=; no amino-acid change (lysine 362 retained).
Molecular consequence: synonymous variant.
Genome position (GRCh38, 1-based): chrX:16,152,576, G>A. VCF-style: chrX-16152576-G-A. GRCh37 (hg19) VCF-style: chrX-16170699-G-A.
Identifiers: ClinVar variation 748394 (VCV000748394.7), dbSNP rs777024531, ClinGen allele CA10356636.
Genomic context (GRCh38, chrX:16,152,576, plus strand): 5'-TGGCCTGATCATCCGGTCTCACAGCACTGGAAGGAGTACAACCTGCATGACCTCCCTCAA[G>A]AGTACCAACCCCTCCGTGGCCACCTTTAGCCTCATCAATGGAAACATCTGTCACGAGCGG-3'
Protein context (NP_005305.1, residues 352-372): GRSTTCMTSL[Lys362=]STNPSVATFS